The following is an entry in ClinVar:

ClinVar aggregate classification (germline): Uncertain significance (1 of 4 stars; one submission).

Conditions:
Periodic fever-infantile enterocolitis-autoinflammatory syndrome. Also called: Autoinflammation with infantile enterocolitis. Identifiers: Orphanet 436166, MedGen C4015067, MONDO:0014472, OMIM 616050.
Familial cold autoinflammatory syndrome 4 (FCAS4). Identifiers: Orphanet 47045, Orphanet 576349, MedGen C4015276, MONDO:0014498, OMIM 616115.

Allele frequency attached by ClinVar (database versions not stated): TOPMed below 0.00001.

Submission:

Labcorp Genetics (formerly Invitae), Labcorp
Classification: Uncertain significance for Periodic fever-infantile enterocolitis-autoinflammatory syndrome; Familial cold autoinflammatory syndrome 4. Last evaluated: 2024-06-06. Review status: criteria provided, single submitter. Criteria: Invitae Variant Classification Sherloc (09022015). Collection method: clinical testing. Allele origin: germline.
Comment: This sequence change replaces leucine, which is neutral and non-polar, with methionine, which is neutral and non-polar, at codon 755 of the NLRC4 protein (p.Leu755Met). This variant is present in population databases (rs746131286, gnomAD 0.007%). This variant has not been reported in the literature in individuals affected with NLRC4-related conditions. ClinVar contains an entry for this variant (Variation ID: 834990). Advanced modeling of protein sequence and biophysical properties (such as structural, functional, and spatial information, amino acid conservation, physicochemical variation, residue mobility, and thermodynamic stability) performed at Invitae indicates that this missense variant is expected to disrupt NLRC4 protein function with a positive predictive value of 80%. In summary, the available evidence is currently insufficient to determine the role of this variant in disease. Therefore, it has been classified as a Variant of Uncertain Significance.

NM_001199138.2(NLRC4):c.2263C>A (p.Leu755Met)

Gene: NLRC4 (NLR family CARD domain containing 4; minus strand). Cytogenetic location: 2p22.3.
Variant type: single nucleotide variant.
Coding change: c.2263C>A on transcript NM_001199138.2 (MANE Select); coding-DNA position 2263, C replaced by A.
Protein change: p.Leu755Met; replaces leucine 755 with methionine.
Molecular consequence: missense variant.
Genome position (GRCh38, 1-based): chr2:32,241,120, G>T on the plus strand (C>A on the coding strand, the complement: NLRC4 is on the minus strand). VCF-style: chr2-32241120-G-T. GRCh37 (hg19) VCF-style: chr2-32466189-G-T.
Other names: c.2263C>A, p.Leu755Met (NM_001199139.2, NM_021209.5); c.268C>A, p.Leu90Met (NM_001302504.2); short protein forms L755M, L90M.
Identifiers: ClinVar variation 834990 (VCV000834990.9), dbSNP rs746131286, ClinGen allele CA1601838.